The following is an entry in ClinVar:

ClinVar aggregate classification (germline): Conflicting classifications of pathogenicity. Review status: criteria provided, conflicting classifications (1 of 4 stars). 7 submissions from 7 submitters: Likely pathogenic (2); Uncertain significance (5). Last evaluated 2025-06-02.

Conditions:
Familial renal glucosuria (GLYS). Also called: RENAL GLUCOSURIA, AUTOSOMAL DOMINANT; Familial renal glycosuria. Identifiers: Orphanet 69076, MedGen C3245525, MONDO:0009297, OMIM 233100.

Allele frequency attached by ClinVar (database versions not stated): TOPMed 0.00018; ExAC 0.00023; gnomAD 0.00023 and 0.00025; gnomAD exomes 0.00024; ESP Exome Variant Server 0.00038.
gnomAD v4.1: 381 of 1,600,576 alleles (0.024%); highest among the groups gnomAD compares: Non-Finnish European, 0.029%; no homozygotes.

Submissions (7):

First Genomix Gene Laboratory, Genetic Diagnostics Department
Classification: Likely pathogenic for Familial renal glucosuria. Last evaluated: 2025-06-02. Review status: criteria provided, single submitter. Criteria: ACMG Guidelines, 2015. Collection method: clinical testing. Allele origin: germline. Inheritance: Autosomal recessive inheritance. Affected: no. Observed: 1 variant allele.

MVZ Medizinische Genetik Mainz
Classification: Uncertain significance for Familial renal glucosuria. Last evaluated: 2025-04-02. Review status: criteria provided, single submitter. Criteria: UK Practice Guidelines For Variant Classification V4 01 2020. Collection method: clinical testing. Allele origin: germline. Inheritance: Autosomal recessive inheritance. Affected: yes. Observed: 1 variant allele.
Comment: ACMG Criteria: PM3_SUP, PM2_SUP, PP3, PP4; Compound Heterozygote

Blueprint Genetics
Classification: Uncertain significance. Last evaluated: 2024-09-13. Review status: criteria provided, single submitter. Criteria: ACMG Guidelines, 2015. Collection method: clinical testing. Allele origin: germline.

Fulgent Genetics
Classification: Likely pathogenic for Familial renal glucosuria. Last evaluated: 2024-03-08. Review status: criteria provided, single submitter. Criteria: ACMG Guidelines, 2015. Collection method: clinical testing. Allele origin: germline.

New York Genome Center
Classification: Uncertain significance for Familial renal glucosuria. Last evaluated: 2022-11-09. Review status: criteria provided, single submitter. Criteria: NYGC Assertion Criteria 2020. Collection method: clinical testing. Allele origin: germline. Observed: 1 heterozygote.

Illumina Laboratory Services, Illumina
Classification: Uncertain significance for Familial renal glucosuria. Last evaluated: 2017-04-27. Review status: criteria provided, single submitter. Criteria: ICSL Variant Classification Criteria 13 December 2019. Collection method: clinical testing. Allele origin: germline.

Breakthrough Genomics
Classification: Uncertain significance. Review status: criteria provided, single submitter. Criteria: ACMG Guidelines, 2015. Collection method: not provided. Allele origin: germline. Inheritance: Autosomal recessive inheritance. Affected: yes.

NM_003041.4(SLC5A2):c.1409T>C (p.Val470Ala)

Gene: SLC5A2 (solute carrier family 5 member 2; plus strand). Cytogenetic location: 16p11.2.
Variant type: single nucleotide variant.
Coding change: c.1409T>C on transcript NM_003041.4 (MANE Select); coding-DNA position 1409, T replaced by C.
Protein change: p.Val470Ala; replaces valine 470 with alanine.
Molecular consequence: missense variant.
Genome position (GRCh38, 1-based): chr16:31,489,008, T>C. VCF-style: chr16-31489008-T-C. GRCh37 (hg19) VCF-style: chr16-31500329-T-C.
Other names: short protein forms V470A.
Identifiers: ClinVar variation 884768 (VCV000884768.10), dbSNP rs139661242, ClinGen allele CA8031132.